The following is an entry in ClinVar:

ClinVar aggregate classification (germline): Uncertain significance. Review status: criteria provided, multiple submitters, no conflicts (2 of 4 stars). 2 submissions from 2 submitters: Uncertain significance (2). Last evaluated 2025-06-18.

Conditions:
Inborn genetic diseases. Identifiers: MedGen C0950123, MeSH D030342.

Allele frequency attached by ClinVar (database versions not stated): gnomAD exomes 0.00001 and 0.00003; ExAC 0.00002; TOPMed 0.00002.
gnomAD v4.1: 6 of 1,544,094 alleles (0.00039%); highest among the groups gnomAD compares: Admixed American, 0.01%; no homozygotes.

Submissions (2):

Ambry Genetics
Classification: Uncertain significance for Inborn genetic diseases. Last evaluated: 2025-06-18. Review status: criteria provided, single submitter. Criteria: Ambry Variant Classification Scheme 2023. Collection method: clinical testing. Allele origin: germline.

GeneDx
Classification: Uncertain significance. Last evaluated: 2022-02-17. Review status: criteria provided, single submitter. Criteria: GeneDx Variant Classification Process June 2021. Collection method: clinical testing. Allele origin: germline. Affected: yes.
Comment: Has not been previously published as pathogenic or benign to our knowledge; In silico analysis supports that this missense variant does not alter protein structure/function

NM_004722.4(AP4M1):c.*449G>A

Genes: AP4M1 (adaptor related protein complex 4 subunit mu 1; plus strand), TAF6 (TATA-box binding protein associated factor 6; minus strand). Cytogenetic location: 7q22.1.
Variant type: single nucleotide variant.
Coding change: c.*449G>A on transcript NM_004722.4 (MANE Select); 449 bases downstream of the stop codon, G replaced by A.
Molecular consequence: 3 prime UTR variant. On other transcripts: missense variant (10), non-coding transcript variant (1).
Genome position (GRCh38, 1-based): chr7:100,107,331, G>A. VCF-style: chr7-100107331-G-A. GRCh37 (hg19) VCF-style: chr7-99704954-G-A.
Other names: c.1949C>T, p.Ala650Val (NM_001364999.1, NM_005641.4, NM_139315.3 and 1 more transcripts); c.1919C>T, p.Ala640Val (NM_001365000.1, NM_001365001.1, NM_001365002.1 and 1 more transcripts); c.2087C>T, p.Ala696Val (NM_001365004.1); c.*449G>A (NM_001363671.2); c.2060C>T, p.Ala687Val (NM_001190415.2); c.2060C>T (NM_001190415.1); short protein forms A640V, A650V, A687V, A696V.
Identifiers: ClinVar variation 1702770 (VCV001702770.3), dbSNP rs756281281, ClinGen allele CA4375123.